The following is an entry in ClinVar:

ClinVar aggregate classification (germline): Pathogenic. Review status: criteria provided, multiple submitters, no conflicts (2 of 4 stars). 4 submissions from 3 submitters: Pathogenic (2). 2 of the submissions do not count toward it. Last evaluated 2024-08-31.

Conditions:
CDKL5 disorder. Identifiers: MedGen CN296942, MONDO:0100039.
Developmental and epileptic encephalopathy, 2 (DEE2). Also called: INFANTILE SPASM SYNDROME, X-LINKED 2; CDKL5 deficiency disorder. Identifiers: Orphanet 1934, Orphanet 3451, Orphanet 505652, MedGen C4750718, MONDO:0010396, OMIM 300672.
Angelman syndrome-like. Identifiers: MedGen CN128785.

Submissions (4):

Labcorp Genetics (formerly Invitae), Labcorp
Classification: Pathogenic for Developmental and epileptic encephalopathy, 2; Angelman syndrome-like. Last evaluated: 2024-08-31. Review status: criteria provided, single submitter. Criteria: Invitae Variant Classification Sherloc (09022015). Collection method: clinical testing. Allele origin: germline.
Comment: This sequence change affects an acceptor splice site in intron 3 of the CDKL5 gene. It is expected to disrupt RNA splicing. Variants that disrupt the donor or acceptor splice site typically lead to a loss of protein function (PMID: 16199547), and loss-of-function variants in CDKL5 are known to be pathogenic (PMID: 22872100). This variant is not present in population databases (gnomAD no frequency). Disruption of this splice site has been observed in individual(s) with developmental and epileptic encephalopathy (PMID: 19793311). In at least one individual the variant was observed to be de novo. ClinVar contains an entry for this variant (Variation ID: 156073). Algorithms developed to predict the effect of sequence changes on RNA splicing suggest that this variant may disrupt the consensus splice site. For these reasons, this variant has been classified as Pathogenic.

Centre for Population Genomics, CPG
Classification: Pathogenic for CDKL5 disorder. Last evaluated: 2024-07-15. Review status: criteria provided, single submitter. Criteria: McKnight et al. (Hum Mutat. 2022). Collection method: curation. Allele origin: germline. Inheritance: X-linked inheritance.
Comment: This variant has been collected from RettBASE and curated to current modified ACMG/AMP criteria. Based on the classification scheme defined by the ClinGen Rett/Angelman-like Expert Panel for Rett/AS-like Disorders Specifications to the ACMG/AMP Variant Interpretation Guidelines VCEP 3.0, this variant is classified as pathogenic. At least the following criteria are met: Predicted to result in loss of function, and LOF is a known mechanism of disease (PVS1). This variant has been identified as a de novo occurrence in an individual with CDKL5 disorder without confirmation of paternity and maternity (PM6, PMID: 19793311). This variant is absent from gnomAD (PM2_Supporting).

RettBASE
Classification: Pathogenic for Epileptic encephalopathy, early infantile, 2. Last evaluated: 2014-03-13. Review status: no assertion criteria provided. Collection method: curation. Allele origin: de novo. Affected: yes. Observed: 1 variant allele. Not counted in ClinVar's aggregate classification.
Comment: Splice site mutation causing skipping of exon 4

RettBASE
No classification provided. Review status: flagged submission. Collection method: not provided. Allele origin: not provided. Not counted in ClinVar's aggregate classification.
ClinVar note: Reason: This record appears to be redundant with a more recent record from the same submitter.
ClinVar note: Notes: SCV000189196 appears to be redundant with SCV000222295.

Literature cited by the submitters: PubMed 16199547 (cited by Labcorp Genetics (formerly Invitae), Labcorp); PubMed 22872100 (cited by Labcorp Genetics (formerly Invitae), Labcorp); PubMed 19793311 (cited by Labcorp Genetics (formerly Invitae), Labcorp and RettBASE).

NM_001323289.2(CDKL5):c.100-2A>G

Gene: CDKL5 (cyclin dependent kinase like 5; plus strand). Cytogenetic location: Xp22.13.
Variant type: single nucleotide variant.
Coding change: c.100-2A>G on transcript NM_001323289.2 (MANE Select); the canonical splice acceptor site of the intron before coding-DNA position 100, A replaced by G.
Molecular consequence: splice acceptor variant.
Genome position (GRCh38, 1-based): chrX:18,564,475, A>G. VCF-style: chrX-18564475-A-G. GRCh37 (hg19) VCF-style: chrX-18582595-A-G.
Other names: c.100-2A>G (NM_003159.3, NM_001037343.2).
Identifiers: ClinVar variation 156073 (VCV000156073.12), dbSNP rs267608423, ClinGen allele CA199372.
Genomic context (GRCh38, chrX:18,564,475, plus strand): 5'-TGGAATCCCCAGTCGGAAAAACACTGGAGAATGACTTTCCTTCTGCTTCTTTTCCCTTGC[A>G]GGAAACACATGAAATTGTGGCGATCAAGAAATTCAAGGACAGTGAAGGTAGATATATATA-3'